The following is an entry in ClinVar:

ClinVar aggregate classification (germline): Likely benign. Review status: criteria provided, multiple submitters, no conflicts (2 of 4 stars). 2 submissions from 2 submitters: Likely benign (2). Last evaluated 2025-04-14.

Allele frequency attached by ClinVar (database versions not stated): gnomAD exomes below 0.00001 and 0.00001; TOPMed 0.00002.
gnomAD v4.1: 8 of 1,613,762 alleles (0.0005%); highest among the groups gnomAD compares: East Asian, 0.0067%; no homozygotes.

Submissions (2):

Labcorp Genetics (formerly Invitae), Labcorp
Classification: Likely benign. Last evaluated: 2025-04-14. Review status: criteria provided, single submitter. Criteria: Invitae Variant Classification Sherloc (09022015). Collection method: clinical testing. Allele origin: germline.

GeneDx
Classification: Likely benign. Last evaluated: 2018-03-02. Review status: criteria provided, single submitter. Criteria: GeneDx Variant Classification (06012015). Collection method: clinical testing. Allele origin: germline. Affected: yes.
Comment: This variant is considered likely benign or benign based on one or more of the following criteria: it is a conservative change, it occurs at a poorly conserved position in the protein, it is predicted to be benign by multiple in silico algorithms, and/or has population frequency not consistent with disease.

NM_020247.5(COQ8A):c.1287T>C (p.Tyr429=)

Gene: COQ8A (coenzyme Q8A; plus strand). Cytogenetic location: 1q42.13.
Variant type: single nucleotide variant.
Coding change: c.1287T>C on transcript NM_020247.5 (MANE Select); coding-DNA position 1287, T replaced by C.
Protein change: p.Tyr429=; no amino-acid change (tyrosine 429 retained).
Molecular consequence: synonymous variant.
Genome position (GRCh38, 1-based): chr1:226,984,124, T>C. VCF-style: chr1-226984124-T-C. GRCh37 (hg19) VCF-style: chr1-227171825-T-C.
Identifiers: ClinVar variation 515761 (VCV000515761.6), dbSNP rs1256698126, ClinGen allele CA423527847.